The following is an entry in ClinVar:

NM_003737.4(DCHS1):c.6467T>A (p.Val2156Glu)

Gene: DCHS1 (dachsous cadherin-related 1; minus strand). Cytogenetic location: 11p15.4.
Variant type: single nucleotide variant.
Coding change: c.6467T>A on transcript NM_003737.4 (MANE Select); coding-DNA position 6467, T replaced by A.
Protein change: p.Val2156Glu; replaces valine 2156 with glutamic acid.
Molecular consequence: missense variant.
Genome position (GRCh38, 1-based): chr11:6,626,278, A>T on the plus strand (T>A on the coding strand, the complement: DCHS1 is on the minus strand). VCF-style: chr11-6626278-A-T. GRCh37 (hg19) VCF-style: chr11-6647509-A-T.
Other names: short protein forms V2156E.
Identifiers: ClinVar variation 1545746 (VCV001545746.11), dbSNP rs148323523, ClinGen allele CA5859854.
Genomic context (GRCh38, chr11:6,626,278, plus strand): 5'-TAATGGGGCCGCAGGAAACGGGGAGCATTGTCGTTGGCATCTTGCAGGGTCAGGGTCAGC[A>T]CAGTGAAGGCAAAGGCTCCTCCACTCTCTGCCTGCAGCACCAGTCGCAGCCGTGGACTCA-3'
Protein context (NP_003728.1, residues 2146-2166): AESGGAFAFT[Val2156Glu]LTLTLQDAND

ClinVar aggregate classification (germline): Conflicting classifications of pathogenicity. Review status: criteria provided, conflicting classifications (1 of 4 stars). 4 submissions from 4 submitters: Uncertain significance (2); Likely benign (2). Last evaluated 2025-12-29.

Conditions:
Van Maldergem syndrome 1 (VMLDS1). Also called: Van Maldergem syndrome 1 (VMLDS1). Identifiers: Orphanet 314679, MedGen C4551950, MONDO:0011070, OMIM 601390.

Allele frequency attached by ClinVar (database versions not stated): gnomAD exomes 0.00014 and 0.00015; gnomAD 0.00015 and 0.00016; TOPMed 0.00015; 1000 Genomes Project 30x 0.00016; ExAC 0.00018; 1000 Genomes Project 0.00020; ESP Exome Variant Server 0.00038.
gnomAD v4.1: 224 of 1,613,256 alleles (0.014%); highest among the groups gnomAD compares: Middle Eastern, 0.083%; no homozygotes.

Submissions (4):

Labcorp Genetics (formerly Invitae), Labcorp
Classification: Likely benign. Last evaluated: 2025-12-29. Review status: criteria provided, single submitter. Criteria: Invitae Variant Classification Sherloc (09022015). Collection method: clinical testing. Allele origin: germline.

Clinical Genomics Laboratory, Washington University in St. Louis
Classification: Uncertain significance for Van Maldergem syndrome 1. Last evaluated: 2024-08-20. Review status: criteria provided, single submitter. Criteria: ACMG Guidelines, 2015. Collection method: clinical testing. Allele origin: germline.
Comment: A DCHS1 c.6467T>A (p.Val2156Glu) variant was identified at a near heterozygous allelic fraction of 48.3%, a frequency which may be consistent with it being of germline origin. This variant, to our knowledge, has not been reported in the medical literature and is observed on 224/1,613,256 alleles in the general population (gnomAD v.4.1.0). This variant has been reported in the ClinVar database as a likely benign germline variant by two submitters (ClinVar ID: 1545746). Computational predictors suggest that the variant does not impact DCHS1 function. Due to limited information, and based on ACMG/AMP guidelines for variant interpretation (Richards S et al., PMID: 25741868), the clinical significance of the DCHS1 c.6467T>A (p.Val2156Glu) variant is uncertain at this time.

GeneDx
Classification: Likely benign. Last evaluated: 2021-03-29. Review status: criteria provided, single submitter. Criteria: GeneDx Variant Classification Process June 2021. Collection method: clinical testing. Allele origin: germline. Affected: yes.
Comment: See Variant Classification Assertion Criteria.

ARUP Laboratories, Molecular Genetics and Genomics, ARUP Laboratories
Classification: Uncertain significance. Review status: criteria provided, single submitter. Criteria: ARUP Molecular Germline Variant Investigation Process 2024. Collection method: clinical testing. Allele origin: germline.